The following is an entry in ClinVar:

NM_002838.5(PTPRC):c.3390_3393del (p.Pro1131fs)

Gene: PTPRC (protein tyrosine phosphatase receptor type C; plus strand). Cytogenetic location: 1q32.1.
Variant type: Deletion.
Coding change: c.3390_3393del on transcript NM_002838.5 (MANE Select); coding-DNA positions 3390 to 3393, 4 bases deleted (TCCT; older notation c.3390_3393delTCCT).
Protein change: p.Pro1131fs; shifts the reading frame from proline 1131.
Molecular consequence: frameshift variant.
Genome position (GRCh38, 1-based): chr1:198,752,653-198,752,656, TCCT deleted; deleting any 4 consecutive bases within chr1:198,752,651-198,752,656 gives the same sequence; the c. name uses the placement nearest the transcript's 3' end. VCF-style (leftmost placement, unchanged base first): chr1-198752650-GCTTC-G. GRCh37 (hg19) VCF-style: chr1-198721779-GCTTC-G.
Other names: c.2907_2910del, p.Pro970fs (NM_080921.4); short protein forms P1131fs, P970fs.
Identifiers: ClinVar variation 2725078 (VCV002725078.3), dbSNP rs2528049157, ClinGen allele CA2697554844.

ClinVar aggregate classification (germline): Pathogenic (1 of 4 stars; one submission).

Conditions:
Immunodeficiency 104. Also called: Severe Combined Immune Deficiency, Autosomal Recessive, TCell -Negative, B Cell-Positive, NK Cell-Positive, IL7R-Related; Severe combined immunodeficiency, autosomal recessive, T cell-negative, B cell-positive, NK cell-positive; IMMUNODEFICIENCY 104, SEVERE COMBINED; SCID, AUTOSOMAL RECESSIVE, T CELL-NEGATIVE, B CELL-POSITIVE, NK CELL-POSITIVE. Identifiers: MedGen C5676890, MONDO:0012163, OMIM 608971.

Submission:

Labcorp Genetics (formerly Invitae), Labcorp
Classification: Pathogenic for Immunodeficiency 104. Last evaluated: 2024-01-08. Review status: criteria provided, single submitter. Criteria: Invitae Variant Classification Sherloc (09022015). Collection method: clinical testing. Allele origin: germline.
Comment: This sequence change creates a premature translational stop signal (p.Pro1131Glnfs*6) in the PTPRC gene. It is expected to result in an absent or disrupted protein product. Loss-of-function variants in PTPRC are known to be pathogenic (PMID: 10700239). This variant is not present in population databases (gnomAD no frequency). This variant has not been reported in the literature in individuals affected with PTPRC-related conditions. For these reasons, this variant has been classified as Pathogenic.

Literature cited by the submitters: PubMed 10700239.